The following is an entry in ClinVar:

NM_000277.3(PAH):c.689T>C (p.Val230Ala)

Gene: PAH (phenylalanine hydroxylase; minus strand). Cytogenetic location: 12q23.2.
Variant type: single nucleotide variant.
Coding change: c.689T>C on transcript NM_000277.3 (MANE Select); coding-DNA position 689, T replaced by C.
Protein change: p.Val230Ala; replaces valine 230 with alanine.
Molecular consequence: missense variant.
Genome position (GRCh38, 1-based): chr12:102,855,153, A>G on the plus strand (T>C on the coding strand, the complement: PAH is on the minus strand). VCF-style: chr12-102855153-A-G. GRCh37 (hg19) VCF-style: chr12-103248931-A-G.
Other names: c.689T>C, p.Val230Ala (NM_001354304.2); c.689T>C (NM_000277.2); short protein forms V230A.
Identifiers: ClinVar variation 557425 (VCV000557425.5), dbSNP rs199475673, ClinGen allele CA16020840.

ClinVar aggregate classification (germline): Likely pathogenic. Review status: reviewed by expert panel (3 of 4 stars). 4 submissions from 4 submitters: Likely pathogenic (1). 3 of the submissions do not count toward it. Last evaluated 2020-08-07.

Conditions:
Phenylketonuria (PKU). Also called: OLIGOPHRENIA PHENYLPYRUVICA; Phenylketonurias; FOLLING DISEASE; Phenylketonuria (PKU). Identifiers: Orphanet 716, MedGen C0031485, MONDO:0009861, OMIM 261600. Disease mechanism: loss of function.

gnomAD v4.1: 1 of 1,614,042 alleles (0.000062%); no homozygotes.

Submissions (4):

ClinGen PAH Variant Curation Expert Panel
Classification: Likely pathogenic for Phenylketonuria. Last evaluated: 2020-08-07. Review status: reviewed by expert panel. Criteria: ClinGen PAH ACMG Specifications v1. Collection method: curation. Allele origin: germline. Inheritance: Autosomal recessive inheritance.
Comment: The c.689T>C (p.Val230Ala) variant in PAH has been reported in multiple individuals with MHP, mild PKU and classical PKU (BH4 deficiency excluded, PMID: 18299955, 29316886, 30747360). This variant is absent in population databases. This variant was detected with multiple pathogenic/likely pathogenic variants: p.V230I, p.A300S, and p.Arg243Gln (PMID: 29316886). Computational evidence supports a deleterious effect. In summary, this variant meets criteria to be classified as likely pathogenic for PAH. PAH-specific ACMG/AMP criteria applied: PP4_Moderate, PM2, PM3_strong, PP3.

Natera, Inc.
Classification: Likely pathogenic for Phenylketonuria. Last evaluated: 2026-01-28. Review status: criteria provided, single submitter. Criteria: Natera Variant Classification Schema (03/2026). Collection method: clinical testing. Allele origin: germline. Not counted in ClinVar's aggregate classification.
Comment: The c.689T>C variant in PAH is a missense variant predicted to cause substitution of valine to alanine at amino acid 230. This variant is rare in the general population with a frequency below the threshold expected for the associated phenotype(s). This variant has been observed in one or more individuals affected with the associated recessive disease, as either homozygous or compound heterozygous with a second variant (PMID: 18299955, 35690318). A different variant at the same position has been determined to be Pathogenic or Likely Pathogenic. Computational prediction algorithms indicate this variant is likely to affect gene or protein function. Given the available evidence, this variant is classified as Likely Pathogenic.

Baylor Genetics
Classification: Likely pathogenic for Phenylketonuria. Last evaluated: 2023-01-05. Review status: criteria provided, single submitter. Criteria: ACMG Guidelines, 2015. Collection method: clinical testing. Allele origin: unknown. Not counted in ClinVar's aggregate classification.

Counsyl
Classification: Likely pathogenic for Phenylketonuria. Last evaluated: 2018-03-24. Review status: no assertion criteria provided. Collection method: clinical testing. Allele origin: unknown. Not counted in ClinVar's aggregate classification.

Literature cited by the submitters: PubMed 18299955 (cited by 3 submitters); PubMed 35690318 (cited by Natera, Inc.); PubMed 28982351 (cited by Counsyl).